The following is an entry in ClinVar:

NM_000179.3(MSH6):c.2216C>T (p.Thr739Ile)

Gene: MSH6 (mutS homolog 6; plus strand). Cytogenetic location: 2p16.3.
Variant type: single nucleotide variant.
Coding change: c.2216C>T on transcript NM_000179.3 (MANE Select); coding-DNA position 2216, C replaced by T.
Protein change: p.Thr739Ile; replaces threonine 739 with isoleucine.
Molecular consequence: missense variant.
Genome position (GRCh38, 1-based): chr2:47,800,199, C>T. VCF-style: chr2-47800199-C-T. GRCh37 (hg19) VCF-style: chr2-48027338-C-T.
Other names: c.1826C>T, p.Thr609Ile (NM_001281492.2); c.1310C>T, p.Thr437Ile (NM_001281493.2, NM_001281494.2); short protein forms T739I, T437I, T609I.
Identifiers: ClinVar variation 479866 (VCV000479866.13), dbSNP rs1553413583, ClinGen allele CA346752403.

ClinVar aggregate classification (germline): Uncertain significance. Review status: criteria provided, multiple submitters, no conflicts (2 of 4 stars). 2 submissions from 2 submitters: Uncertain significance (2). Last evaluated 2024-03-04.

Conditions:
Hereditary nonpolyposis colorectal neoplasms. Identifiers: MedGen C0009405, MeSH D003123.
Hereditary cancer-predisposing syndrome. Also called: Hereditary Cancer Syndrome; Neoplastic Syndromes, Hereditary; Tumor predisposition; Hereditary neoplastic syndrome. Identifiers: Orphanet 140162, MedGen C0027672, MeSH D009386, MONDO:0015356.

Allele frequency attached by ClinVar (database versions not stated): gnomAD exomes below 0.00001.
gnomAD v4.1: 2 of 1,614,138 alleles (0.00012%); highest among the groups gnomAD compares: South Asian, 0.0022%; no homozygotes.

Submissions (2):

Labcorp Genetics (formerly Invitae), Labcorp
Classification: Uncertain significance for Hereditary nonpolyposis colorectal neoplasms. Last evaluated: 2024-03-04. Review status: criteria provided, single submitter. Criteria: Invitae Variant Classification Sherloc (09022015). Collection method: clinical testing. Allele origin: germline.
Comment: This sequence change replaces threonine, which is neutral and polar, with isoleucine, which is neutral and non-polar, at codon 739 of the MSH6 protein (p.Thr739Ile). This variant is not present in population databases (gnomAD no frequency). This variant has not been reported in the literature in individuals affected with MSH6-related conditions. ClinVar contains an entry for this variant (Variation ID: 479866). Advanced modeling of protein sequence and biophysical properties (such as structural, functional, and spatial information, amino acid conservation, physicochemical variation, residue mobility, and thermodynamic stability) performed at Invitae indicates that this missense variant is expected to disrupt MSH6 protein function with a positive predictive value of 95%. In summary, the available evidence is currently insufficient to determine the role of this variant in disease. Therefore, it has been classified as a Variant of Uncertain Significance.

Ambry Genetics
Classification: Uncertain significance for Hereditary cancer-predisposing syndrome. Last evaluated: 2021-02-16. Review status: criteria provided, single submitter. Criteria: Ambry Variant Classification Scheme 2023. Collection method: clinical testing. Allele origin: germline.
Comment: The p.T739I variant (also known as c.2216C>T), located in coding exon 4 of the MSH6 gene, results from a C to T substitution at nucleotide position 2216. The threonine at codon 739 is replaced by isoleucine, an amino acid with similar properties. This alteration was observed in 1/56 colorectal cancer tumors (Ashktorab H et al. Oncotarget, 2017 Nov;8:99966-99977). This amino acid position is highly conserved in available vertebrate species. In addition, this alteration is predicted to be deleterious by in silico analysis. Since supporting evidence is limited at this time, the clinical significance of this alteration remains unclear.

Literature cited by the submitters: PubMed 29245953 (cited by Ambry Genetics).